The following is an entry in ClinVar:

ClinVar aggregate classification (germline): Uncertain significance. Review status: criteria provided, single submitter (1 of 4 stars). 2 submissions from 2 submitters: Uncertain significance (1). 1 of the submissions does not count toward it. Last evaluated 2022-03-10.

Conditions:
Cohen syndrome (COH1). Also called: PEPPER SYNDROME; Cutis verticis gyrata, retinitis pigmentosa, and sensorineural deafness. Identifiers: Orphanet 193, MedGen C0265223, MONDO:0008999, OMIM 216550.

Allele frequency attached by ClinVar (database versions not stated): TOPMed 0.00002.
gnomAD v4.1: 1 of 1,614,022 alleles (0.000062%); highest among the groups gnomAD compares: Non-Finnish European, 0.000085%; no homozygotes.

Submissions (2):

Labcorp Genetics (formerly Invitae), Labcorp
Classification: Uncertain significance for Cohen syndrome. Last evaluated: 2022-03-10. Review status: criteria provided, single submitter. Criteria: Invitae Variant Classification Sherloc (09022015). Collection method: clinical testing. Allele origin: germline.
Comment: This sequence change replaces serine, which is neutral and polar, with asparagine, which is neutral and polar, at codon 4007 of the VPS13B protein (p.Ser4007Asn). This variant is not present in population databases (gnomAD no frequency). This variant has not been reported in the literature in individuals affected with VPS13B-related conditions. ClinVar contains an entry for this variant (Variation ID: 862174). Algorithms developed to predict the effect of missense changes on protein structure and function are either unavailable or do not agree on the potential impact of this missense change (SIFT: "Not Available"; PolyPhen-2: "Benign"; Align-GVGD: "Not Available"). In summary, the available evidence is currently insufficient to determine the role of this variant in disease. Therefore, it has been classified as a Variant of Uncertain Significance.

Natera, Inc.
Classification: Uncertain significance for Cohen syndrome. Last evaluated: 2020-12-14. Review status: no assertion criteria provided. Collection method: clinical testing. Allele origin: germline. Not counted in ClinVar's aggregate classification.

NM_152564.5(VPS13B):c.11945G>A (p.Ser3982Asn)

Gene: VPS13B (vacuolar protein sorting 13 homolog B; plus strand). Cytogenetic location: 8q22.2.
Variant type: single nucleotide variant.
Coding change: c.11945G>A on transcript NM_152564.5 (MANE Select); coding-DNA position 11945, G replaced by A.
Protein change: p.Ser3982Asn; replaces serine 3982 with asparagine.
Molecular consequence: missense variant.
Genome position (GRCh38, 1-based): chr8:99,875,617, G>A. VCF-style: chr8-99875617-G-A. GRCh37 (hg19) VCF-style: chr8-100887845-G-A.
Other names: c.12020G>A, p.Ser4007Asn (NM_017890.5); short protein forms S4007N, S3982N.
Identifiers: ClinVar variation 862174 (VCV000862174.10), dbSNP rs1370500777, ClinGen allele CA371796131.